The following is an entry in ClinVar:

ClinVar aggregate classification (germline): Uncertain significance (1 of 4 stars; one submission).

gnomAD v4.1: 86 of 1,613,888 alleles (0.0053%); highest among the groups gnomAD compares: Non-Finnish European, 0.0069%; no homozygotes.

Submission:

Labcorp Genetics (formerly Invitae), Labcorp
Classification: Uncertain significance. Last evaluated: 2024-07-02. Review status: criteria provided, single submitter. Criteria: Invitae Variant Classification Sherloc (09022015). Collection method: clinical testing. Allele origin: germline.
Comment: This sequence change replaces arginine, which is basic and polar, with glutamine, which is neutral and polar, at codon 1375 of the POLR1A protein (p.Arg1375Gln). This variant is present in population databases (rs778698795, gnomAD 0.01%). This variant has not been reported in the literature in individuals affected with POLR1A-related conditions. Advanced modeling of protein sequence and biophysical properties (such as structural, functional, and spatial information, amino acid conservation, physicochemical variation, residue mobility, and thermodynamic stability) performed at Invitae indicates that this missense variant is not expected to disrupt POLR1A protein function with a negative predictive value of 80%. In summary, the available evidence is currently insufficient to determine the role of this variant in disease. Therefore, it has been classified as a Variant of Uncertain Significance.

NM_015425.6(POLR1A):c.4124G>A (p.Arg1375Gln)

Gene: POLR1A (RNA polymerase I subunit A; minus strand). Cytogenetic location: 2p11.2.
Variant type: single nucleotide variant.
Coding change: c.4124G>A on transcript NM_015425.6 (MANE Select); coding-DNA position 4124, G replaced by A.
Protein change: p.Arg1375Gln; replaces arginine 1375 with glutamine.
Molecular consequence: missense variant.
Genome position (GRCh38, 1-based): chr2:86,033,698, C>T on the plus strand (G>A on the coding strand, the complement: POLR1A is on the minus strand). VCF-style: chr2-86033698-C-T. GRCh37 (hg19) VCF-style: chr2-86260821-C-T.
Other names: short protein forms R1375Q.
Identifiers: ClinVar variation 3609744 (VCV003609744.2).